The following is an entry in ClinVar:

NM_001953.5(TYMP):c.194G>A (p.Ser65Asn)

Gene: TYMP (thymidine phosphorylase; minus strand). Cytogenetic location: 22q13.33.
Variant type: single nucleotide variant.
Coding change: c.194G>A on transcript NM_001953.5 (MANE Select); coding-DNA position 194, G replaced by A.
Protein change: p.Ser65Asn; replaces serine 65 with asparagine.
Molecular consequence: missense variant.
Genome position (GRCh38, 1-based): chr22:50,529,516, C>T on the plus strand (G>A on the coding strand, the complement: TYMP is on the minus strand). VCF-style: chr22-50529516-C-T. GRCh37 (hg19) VCF-style: chr22-50967945-C-T.
Other names: c.194G>A, p.Ser65Asn (NM_001113755.3, NM_001113756.3, NM_001257988.1 and 1 more transcripts); short protein forms S65N.
Identifiers: ClinVar variation 766178 (VCV000766178.17), dbSNP rs570047465, ClinGen allele CA10321859.

ClinVar aggregate classification (germline): Conflicting classifications of pathogenicity. Review status: criteria provided, conflicting classifications (1 of 4 stars). 6 submissions from 6 submitters: Uncertain significance (1); Benign (1); Likely benign (3). 1 of the submissions does not count toward it. Last evaluated 2026-01-13.

Conditions:
Mitochondrial neurogastrointestinal encephalomyopathy. Also called: Mitochondrial neurogastrointestinal encephalopathy syndrome; MNGIE syndrome; Thymidine phosphorylase deficiency. Identifiers: Orphanet 298, MedGen C0872218, MONDO:0017575.
TYMP-related disorder. Also called: TYMP-related condition.
Mitochondrial DNA depletion syndrome 1. Also called: Mitochondrial DNA depletion syndrome 1 (MNGIE type); Mitochondrial neurogastrointestinal encephalomyopathy syndrome; Mitochondrial DNA Depletion Syndrome, MNGIE Form; POLIP SYNDROME; POLYNEUROPATHY, OPHTHALMOPLEGIA, LEUKOENCEPHALOPATHY, AND INTESTINAL PSEUDOOBSTRUCTION; Mitochondrial Neurogastrointestinal Encephalopathy Disease. Identifiers: Orphanet 298, MedGen C4551995, MONDO:0011283, OMIM 603041.

Allele frequency attached by ClinVar (database versions not stated): gnomAD below 0.00001 and 0.00009; TOPMed 0.00003; gnomAD exomes 0.00050; ExAC 0.00056; 1000 Genomes Project 30x 0.00109; 1000 Genomes Project 0.00120.
gnomAD v4.1: 335 of 1,612,974 alleles (0.021%); highest among the groups gnomAD compares: South Asian, 0.35%; 2 homozygotes.

Submissions (6):

Labcorp Genetics (formerly Invitae), Labcorp
Classification: Benign. Last evaluated: 2026-01-13. Review status: criteria provided, single submitter. Criteria: Invitae Variant Classification Sherloc (09022015). Collection method: clinical testing. Allele origin: germline.

PreventionGenetics, part of Exact Sciences
Classification: Likely benign for TYMP-related condition. Last evaluated: 2025-11-21. Review status: criteria provided, single submitter. Criteria: ACMG Guidelines, 2015. Collection method: clinical testing. Allele origin: germline.
Comment: This variant is classified as likely benign based on ACMG/AMP sequence variant interpretation guidelines (Richards et al. 2015 PMID: 25741868, with internal and published modifications).

Blueprint Genetics
Classification: Likely benign. Last evaluated: 2024-05-28. Review status: criteria provided, single submitter. Criteria: ACMG Guidelines, 2015. Collection method: clinical testing. Allele origin: germline.

Department of Pathology and Laboratory Medicine, Sinai Health System
Classification: Uncertain significance for Mitochondrial DNA depletion syndrome 1. Last evaluated: 2023-01-06. Review status: criteria provided, single submitter. Criteria: ACMG Guidelines, 2015. Collection method: research. Allele origin: germline.

GeneDx
Classification: Likely benign. Last evaluated: 2021-01-06. Review status: criteria provided, single submitter. Criteria: GeneDx Variant Classification Process June 2021. Collection method: clinical testing. Allele origin: germline. Affected: yes.

Natera, Inc.
Classification: Benign for Mitochondrial neurogastrointestinal encephalomyopathy. Last evaluated: 2020-09-16. Review status: no assertion criteria provided. Collection method: clinical testing. Allele origin: germline. Not counted in ClinVar's aggregate classification.